The following is an entry in ClinVar:

NM_032776.3(JMJD1C):c.916C>G (p.Gln306Glu)

Gene: JMJD1C (jumonji domain containing 1C; minus strand). Cytogenetic location: 10q21.3.
Variant type: single nucleotide variant.
Coding change: c.916C>G on transcript NM_032776.3 (MANE Select); coding-DNA position 916, C replaced by G.
Protein change: p.Gln306Glu; replaces glutamine 306 with glutamic acid.
Molecular consequence: missense variant. On other transcripts: non-coding transcript variant (1).
Genome position (GRCh38, 1-based): chr10:63,215,362, G>C on the plus strand (C>G on the coding strand, the complement: JMJD1C is on the minus strand). VCF-style: chr10-63215362-G-C. GRCh37 (hg19) VCF-style: chr10-64975122-G-C.
Other names: c.370C>G, p.Gln124Glu (NM_001282948.2, NM_001318154.2); c.52C>G, p.Gln18Glu (NM_001318153.2); c.802C>G, p.Gln268Glu (NM_001322252.2); c.259C>G, p.Gln87Glu (NM_001322254.2, NM_001322258.2); short protein forms Q124E, Q306E, Q87E, Q18E, Q268E.
Identifiers: ClinVar variation 2893365 (VCV002893365.3), dbSNP rs1847857361, ClinGen allele CA377051282.

ClinVar aggregate classification (germline): Uncertain significance (1 of 4 stars; one submission).

Conditions:
Early Myoclonic Encephalopathy. Identifiers: MedGen C0270855.

Allele frequency attached by ClinVar (database versions not stated): gnomAD exomes below 0.00001; TOPMed 0.00001.
gnomAD v4.1: 2 of 1,613,690 alleles (0.00012%); highest among the groups gnomAD compares: African/African-American, 0.0027%; no homozygotes.

Submission:

Labcorp Genetics (formerly Invitae), Labcorp
Classification: Uncertain significance for Early Myoclonic Encephalopathy. Last evaluated: 2024-01-14. Review status: criteria provided, single submitter. Criteria: Invitae Variant Classification Sherloc (09022015). Collection method: clinical testing. Allele origin: germline.
Comment: This sequence change replaces glutamine, which is neutral and polar, with glutamic acid, which is acidic and polar, at codon 306 of the JMJD1C protein (p.Gln306Glu). This variant is not present in population databases (gnomAD no frequency). This variant has not been reported in the literature in individuals affected with JMJD1C-related conditions. An algorithm developed to predict the effect of missense changes on protein structure and function (PolyPhen-2) suggests that this variant is likely to be tolerated. In summary, the available evidence is currently insufficient to determine the role of this variant in disease. Therefore, it has been classified as a Variant of Uncertain Significance.